The following is an entry in ClinVar:

ClinVar aggregate classification (germline): Likely benign (1 of 4 stars; one submission).

Conditions:
Congenital Muscular Dystrophy, alpha-dystroglycan related.

Allele frequency attached by ClinVar (database versions not stated): gnomAD 0.00010; 1000 Genomes Project 0.00659.

Submission:

Illumina Laboratory Services, Illumina
Classification: Likely benign for Congenital Muscular Dystrophy, alpha-dystroglycan related. Last evaluated: 2018-01-13. Review status: criteria provided, single submitter. Criteria: ICSL Variant Classification Criteria 13 December 2019. Collection method: clinical testing. Allele origin: germline.
Comment: This variant was observed in the ICSL laboratory as part of a predisposition screen in an ostensibly healthy population. It had not been previously curated by ICSL or reported in the Human Gene Mutation Database (HGMD: prior to June 1st, 2018), and was therefore a candidate for classification through an automated scoring system. Utilizing variant allele frequency, disease prevalence and penetrance estimates, and inheritance mode, an automated score was calculated to assess if this variant is too frequent to cause the disease. Based on the score and internal cut-off values, a variant classified as likely benign is not then subjected to further curation. The score for this variant resulted in a classification of likely benign for this disease.

NM_001101426.4(CRPPA):c.*3284A>G

Gene: CRPPA (CDP-L-ribitol pyrophosphorylase A; minus strand). Cytogenetic location: 7p21.2.
Variant type: single nucleotide variant.
Coding change: c.*3284A>G on transcript NM_001101426.4 (MANE Select); 3284 bases downstream of the stop codon, A replaced by G.
Molecular consequence: 3 prime UTR variant. On other transcripts: non-coding transcript variant (1).
Genome position (GRCh38, 1-based): chr7:16,088,411, T>C on the plus strand (A>G on the coding strand, the complement: CRPPA is on the minus strand). VCF-style: chr7-16088411-T-C. GRCh37 (hg19) VCF-style: chr7-16128036-T-C.
Other names: c.*3284A>G (NM_001101417.4, NM_001368197.1).
Identifiers: ClinVar variation 908678 (VCV000908678.4), dbSNP rs533594383, ClinGen allele CA154724161.